The following is an entry in ClinVar:

ClinVar aggregate classification (germline): Uncertain significance (1 of 4 stars; one submission).

gnomAD v4.1: 15 of 1,614,040 alleles (0.00093%); highest among the groups gnomAD compares: Admixed American, 0.0017%; no homozygotes.

Submission:

Labcorp Genetics (formerly Invitae), Labcorp
Classification: Uncertain significance. Last evaluated: 2024-07-19. Review status: criteria provided, single submitter. Criteria: Invitae Variant Classification Sherloc (09022015). Collection method: clinical testing. Allele origin: germline.
Comment: This sequence change replaces histidine, which is basic and polar, with arginine, which is basic and polar, at codon 569 of the IGF1R protein (p.His569Arg). This variant is present in population databases (rs146905826, gnomAD 0.003%). This variant has not been reported in the literature in individuals affected with IGF1R-related conditions. Advanced modeling of protein sequence and biophysical properties (such as structural, functional, and spatial information, amino acid conservation, physicochemical variation, residue mobility, and thermodynamic stability) performed at Invitae indicates that this missense variant is not expected to disrupt IGF1R protein function with a negative predictive value of 80%. In summary, the available evidence is currently insufficient to determine the role of this variant in disease. Therefore, it has been classified as a Variant of Uncertain Significance.

NM_000875.5(IGF1R):c.1706A>G (p.His569Arg)

Gene: IGF1R (insulin like growth factor 1 receptor; plus strand). Cytogenetic location: 15q26.3.
Variant type: single nucleotide variant.
Coding change: c.1706A>G on transcript NM_000875.5 (MANE Select); coding-DNA position 1706, A replaced by G.
Protein change: p.His569Arg; replaces histidine 569 with arginine.
Molecular consequence: missense variant.
Genome position (GRCh38, 1-based): chr15:98,913,160, A>G. VCF-style: chr15-98913160-A-G. GRCh37 (hg19) VCF-style: chr15-99456389-A-G.
Other names: c.1706A>G, p.His569Arg (NM_001291858.2); short protein forms H569R.
Identifiers: ClinVar variation 3713583 (VCV003713583.2).